The following is an entry in ClinVar:

NM_001849.4(COL6A2):c.2125T>C (p.Phe709Leu)

Gene: COL6A2 (collagen type VI alpha 2 chain; plus strand). Cytogenetic location: 21q22.3.
Variant type: single nucleotide variant.
Coding change: c.2125T>C on transcript NM_001849.4 (MANE Select); coding-DNA position 2125, T replaced by C.
Protein change: p.Phe709Leu; replaces phenylalanine 709 with leucine.
Molecular consequence: missense variant.
Genome position (GRCh38, 1-based): chr21:46,125,940, T>C. VCF-style: chr21-46125940-T-C. GRCh37 (hg19) VCF-style: chr21-47545854-T-C.
Other names: c.2125T>C, p.Phe709Leu (NM_058174.3, NM_058175.3); short protein forms F709L.
Identifiers: ClinVar variation 2063063 (VCV002063063.7), dbSNP rs752189678, ClinGen allele CA410541646.

ClinVar aggregate classification (germline): Uncertain significance. Review status: criteria provided, multiple submitters, no conflicts (2 of 4 stars). 2 submissions from 2 submitters: Uncertain significance (2). Last evaluated 2022-04-01.

Conditions:
Bethlem myopathy 1A. Also called: MYOPATHY, BENIGN CONGENITAL, WITH CONTRACTURES; Bethlem Muscular Dystrophy; Bethlem myopathy 1. Identifiers: Orphanet 610, MedGen CN029274, MONDO:0024530, OMIM 158810.

Allele frequency attached by ClinVar (database versions not stated): TOPMed below 0.00001.
gnomAD v4.1: 1 of 1,613,064 alleles (0.000062%); highest among the groups gnomAD compares: Admixed American, 0.0017%; no homozygotes.

Submissions (2):

Labcorp Genetics (formerly Invitae), Labcorp
Classification: Uncertain significance for Bethlem myopathy 1A. Last evaluated: 2022-04-01. Review status: criteria provided, single submitter. Criteria: Invitae Variant Classification Sherloc (09022015). Collection method: clinical testing. Allele origin: germline.
Comment: This sequence change replaces phenylalanine, which is neutral and non-polar, with leucine, which is neutral and non-polar, at codon 709 of the COL6A2 protein (p.Phe709Leu). This variant is present in population databases (no rsID available, gnomAD 0.003%). This variant has not been reported in the literature in individuals affected with COL6A2-related conditions. Advanced modeling of protein sequence and biophysical properties (such as structural, functional, and spatial information, amino acid conservation, physicochemical variation, residue mobility, and thermodynamic stability) performed at Invitae indicates that this missense variant is not expected to disrupt COL6A2 protein function. In summary, the available evidence is currently insufficient to determine the role of this variant in disease. Therefore, it has been classified as a Variant of Uncertain Significance.

Revvity Omics, Revvity
Classification: Uncertain significance. Last evaluated: 2019-04-10. Review status: criteria provided, single submitter. Criteria: ACMG Guidelines, 2015. Collection method: clinical testing. Allele origin: germline.